The following is an entry in ClinVar:

ClinVar aggregate classification (germline): Uncertain significance (1 of 4 stars; one submission).

Conditions:
RAI1-related disorder. Also called: RAI1-related condition.

Submission:

PreventionGenetics, part of Exact Sciences
Classification: Uncertain significance for RAI1-related condition. Last evaluated: 2026-07-13. Review status: criteria provided, single submitter. Criteria: ACMG Guidelines, 2015. Collection method: clinical testing. Allele origin: germline.
Comment: The RAI1 c.5450G>T variant is predicted to result in the amino acid substitution p.Gly1817Val. To our knowledge, this variant has not been reported in the literature. This variant is reported in 0.00094% of alleles in individuals of European (Non-Finnish) descent in gnomAD. At this time, the clinical significance of this variant is uncertain due to the absence of conclusive functional and genetic evidence.

NM_030665.4(RAI1):c.5450G>T (p.Gly1817Val)

Gene: RAI1 (retinoic acid induced 1; plus strand). Cytogenetic location: 17p11.2.
Variant type: single nucleotide variant.
Coding change: c.5450G>T on transcript NM_030665.4 (MANE Select); coding-DNA position 5450, G replaced by T.
Protein change: p.Gly1817Val; replaces glycine 1817 with valine.
Molecular consequence: missense variant.
Genome position (GRCh38, 1-based): chr17:17,798,398, G>T. VCF-style: chr17-17798398-G-T. GRCh37 (hg19) VCF-style: chr17-17701712-G-T.
Other names: short protein forms G1817V.
Identifiers: ClinVar variation 4982080 (VCV004982080.1).